The following is an entry in ClinVar:

NM_001378452.1(ITPR1):c.4480A>G (p.Ser1494Gly)

Gene: ITPR1 (inositol 1,4,5-trisphosphate receptor type 1; plus strand). Cytogenetic location: 3p26.1.
Variant type: single nucleotide variant.
Coding change: c.4480A>G on transcript NM_001378452.1 (MANE Select); coding-DNA position 4480, A replaced by G.
Protein change: p.Ser1494Gly; replaces serine 1494 with glycine.
Molecular consequence: missense variant.
Genome position (GRCh38, 1-based): chr3:4,699,885, A>G. VCF-style: chr3-4699885-A-G. GRCh37 (hg19) VCF-style: chr3-4741569-A-G.
Other names: c.4453A>G, p.Ser1485Gly (NM_001099952.4); c.4435A>G, p.Ser1479Gly (NM_001168272.2); c.4408A>G, p.Ser1470Gly (NM_002222.7); short protein forms S1470G, S1479G, S1485G, S1494G.
Identifiers: ClinVar variation 3032681 (VCV003032681.2), dbSNP rs2469845408, ClinGen allele CA351633193.

ClinVar aggregate classification (germline): Uncertain significance (0 of 4 stars; one submission).

Conditions:
ITPR1-related disorder. Also called: ITPR1-related condition.

Submission:

PreventionGenetics, part of Exact Sciences
Classification: Uncertain significance for ITPR1-related condition. Last evaluated: 2023-12-19. Review status: no assertion criteria provided. Collection method: clinical testing. Allele origin: germline.
Comment: The ITPR1 c.4408A>G variant is predicted to result in the amino acid substitution p.Ser1470Gly. To our knowledge, this variant has not been reported in the literature or in a large population database, indicating this variant is rare. At this time, the clinical significance of this variant is uncertain due to the absence of conclusive functional and genetic evidence.